The following is an entry in ClinVar:

ClinVar aggregate classification (germline): Pathogenic. Review status: criteria provided, multiple submitters, no conflicts (2 of 4 stars). 3 submissions from 3 submitters: Pathogenic (3). Last evaluated 2025-02-24.

Conditions:
Progressive muscular dystrophy. Identifiers: Orphanet 206644, MedGen C4551827, MONDO:0016106.
Neuromuscular disease caused by qualitative or quantitative defects of dystrophin. Also called: Qualitative or quantitative defects of dystrophin. Identifiers: Orphanet 207085, MedGen C5679787, MONDO:0016147.
Duchenne muscular dystrophy (DMD). Also called: MUSCULAR DYSTROPHY, PSEUDOHYPERTROPHIC PROGRESSIVE, DUCHENNE TYPE; Duchenne Muscular Dystrophy (DMD). Identifiers: Orphanet 98896, MedGen C0013264, MONDO:0010679, OMIM 310200.

Submissions (3):

Women's Health and Genetics/Laboratory Corporation of America, LabCorp
Classification: Pathogenic for Neuromuscular disease caused by qualitative or quantitative defects of dystrophin. Last evaluated: 2025-02-24. Review status: criteria provided, single submitter. Criteria: LabCorp Variant Classification Summary - May 2015. Collection method: clinical testing. Allele origin: germline.
Comment: Variant summary: DMD c.958C>T (p.Gln320X) results in a premature termination codon, predicted to cause a truncation of the encoded protein or absence of the protein due to nonsense mediated decay, which are commonly known mechanisms for disease. The variant was absent in 181848 control chromosomes. To our knowledge, no occurrence of c.958C>T in individuals affected with Dystrophinopathies and no experimental evidence demonstrating its impact on protein function have been reported. ClinVar contains an entry for this variant (Variation ID: 2837044). Based on the evidence outlined above, the variant was classified as pathogenic.

Labcorp Genetics (formerly Invitae), Labcorp
Classification: Pathogenic for Duchenne muscular dystrophy. Last evaluated: 2024-04-10. Review status: criteria provided, single submitter. Criteria: Invitae Variant Classification Sherloc (09022015). Collection method: clinical testing. Allele origin: germline.
Comment: This sequence change creates a premature translational stop signal (p.Gln320*) in the DMD gene. It is expected to result in an absent or disrupted protein product. Loss-of-function variants in DMD are known to be pathogenic (PMID: 16770791, 25007885). This variant is not present in population databases (gnomAD no frequency). This variant has not been reported in the literature in individuals affected with DMD-related conditions. Algorithms developed to predict the effect of sequence changes on RNA splicing suggest that this variant may disrupt the consensus splice site. For these reasons, this variant has been classified as Pathogenic.

Myriad Genetics, Inc.
Classification: Pathogenic for Progressive muscular dystrophy. Last evaluated: 2023-12-06. Review status: criteria provided, single submitter. Criteria: Myriad Autosomal Dominant, Autosomal Recessive and X-Linked Classification Criteria (2023). Collection method: clinical testing. Allele origin: unknown.
Comment: NM_004006.2(DMD):c.958C>T(Q320*) is expected to be pathogenic in the context of dystrophinopathy (including Duchenne/Becker muscular dystrophy). This variant is predicted to lead to an abnormal or absent protein product due to the creation of a premature termination codon in DMD, a gene where loss-of-function variants are known to be pathogenic. Please note: this variant was assessed in the context of healthy population screening.

Literature cited by the submitters: PubMed 16770791 (cited by Labcorp Genetics (formerly Invitae), Labcorp); PubMed 25007885 (cited by Labcorp Genetics (formerly Invitae), Labcorp).

NM_004006.3(DMD):c.958C>T (p.Gln320Ter)

Gene: DMD (dystrophin; minus strand). Cytogenetic location: Xp21.1.
Variant type: single nucleotide variant.
Coding change: c.958C>T on transcript NM_004006.3 (MANE Select); coding-DNA position 958, C replaced by T.
Protein change: p.Gln320Ter; replaces glutamine 320 with a stop codon.
Molecular consequence: nonsense.
Genome position (GRCh38, 1-based): chrX:32,697,872, G>A on the plus strand (C>T on the coding strand, the complement: DMD is on the minus strand). VCF-style: chrX-32697872-G-A. GRCh37 (hg19) VCF-style: chrX-32715989-G-A.
Other names: c.934C>T, p.Gln312Ter (NM_000109.4); c.946C>T, p.Gln316Ter (NM_004009.3); c.589C>T, p.Gln197Ter (NM_004010.3); short protein forms Q197*, Q312*, Q320*, Q316*.
Identifiers: ClinVar variation 2837044 (VCV002837044.5), dbSNP rs762379765, ClinGen allele CA412668356.